The following is an entry in ClinVar:

ClinVar aggregate classification (germline): Likely benign. Review status: criteria provided, multiple submitters, no conflicts (2 of 4 stars). 3 submissions from 3 submitters: Likely benign (2). 1 of the submissions does not count toward it. Last evaluated 2026-02-02.

Conditions:
RPL27-related disorder. Also called: RPL27-related condition.

Allele frequency attached by ClinVar (database versions not stated): gnomAD exomes 0.00001 and 0.00002; ExAC 0.00003; gnomAD 0.00003 and 0.00004; TOPMed 0.00008.
gnomAD v4.1: 91 of 1,611,616 alleles (0.0056%); highest among the groups gnomAD compares: East Asian, 0.045%; 3 homozygotes.

Submissions (3):

Labcorp Genetics (formerly Invitae), Labcorp
Classification: Likely benign. Last evaluated: 2026-02-02. Review status: criteria provided, single submitter. Criteria: Invitae Variant Classification Sherloc (09022015). Collection method: clinical testing. Allele origin: germline.

Blueprint Genetics
Classification: Likely benign. Last evaluated: 2024-11-08. Review status: criteria provided, single submitter. Criteria: ACMG Guidelines, 2015. Collection method: clinical testing. Allele origin: germline.

PreventionGenetics, part of Exact Sciences
Classification: Likely benign for RPL27-related condition. Last evaluated: 2024-06-26. Review status: no assertion criteria provided. Collection method: clinical testing. Allele origin: germline. Not counted in ClinVar's aggregate classification.
Comment: This variant is classified as likely benign based on ACMG/AMP sequence variant interpretation guidelines (Richards et al. 2015 PMID: 25741868, with internal and published modifications).

NM_000988.5(RPL27):c.90T>C (p.Asp30=)

Gene: RPL27 (ribosomal protein L27; plus strand). Cytogenetic location: 17q21.31.
Variant type: single nucleotide variant.
Coding change: c.90T>C on transcript NM_000988.5 (MANE Select); coding-DNA position 90, T replaced by C.
Protein change: p.Asp30=; no amino-acid change (aspartic acid 30 retained).
Molecular consequence: synonymous variant.
Genome position (GRCh38, 1-based): chr17:42,999,941, T>C. VCF-style: chr17-42999941-T-C. GRCh37 (hg19) VCF-style: chr17-41151958-T-C.
Other names: c.90T>C, p.Asp30= (NM_001349921.2, NM_001349922.2).
Identifiers: ClinVar variation 727027 (VCV000727027.10), dbSNP rs771862469, ClinGen allele CA8588928.